The following is an entry in ClinVar:

ClinVar aggregate classification (germline): Uncertain significance (0 of 4 stars; one submission).

Conditions:
PLXNA4-related disorder. Also called: PLXNA4-related condition.

Allele frequency attached by ClinVar (database versions not stated): ExAC 0.00005; TOPMed 0.00009; gnomAD 0.00010.
gnomAD v4.1: 120 of 1,611,570 alleles (0.0074%); highest among the groups gnomAD compares: Admixed American, 0.018%; no homozygotes.

Submission:

PreventionGenetics, part of Exact Sciences
Classification: Uncertain significance for PLXNA4-related condition. Last evaluated: 2023-11-22. Review status: no assertion criteria provided. Collection method: clinical testing. Allele origin: germline.
Comment: The PLXNA4 c.83G>A variant is predicted to result in the amino acid substitution p.Arg28Gln. To our knowledge, this variant has not been reported in the literature. This variant is reported in 0.011% of alleles in individuals of Latino descent in gnomAD. At this time, the clinical significance of this variant is uncertain due to the absence of conclusive functional and genetic evidence.

NM_020911.2(PLXNA4):c.83G>A (p.Arg28Gln)

Gene: PLXNA4 (plexin A4; minus strand). Cytogenetic location: 7q32.3.
Variant type: single nucleotide variant.
Coding change: c.83G>A on transcript NM_020911.2 (MANE Select); coding-DNA position 83, G replaced by A.
Protein change: p.Arg28Gln; replaces arginine 28 with glutamine.
Molecular consequence: missense variant.
Genome position (GRCh38, 1-based): chr7:132,508,611, C>T on the plus strand (G>A on the coding strand, the complement: PLXNA4 is on the minus strand). VCF-style: chr7-132508611-C-T. GRCh37 (hg19) VCF-style: chr7-132193370-C-T.
Other names: c.83G>A, p.Arg28Gln (NM_001105543.2, NM_001393897.1, NM_181775.4); short protein forms R28Q.
Identifiers: ClinVar variation 3054191 (VCV003054191.2), dbSNP rs755346984, ClinGen allele CA4490559.
Genomic context (GRCh38, chr7:132,508,611, plus strand): 5'-GCGGGCTCTCCTCGGAATGTGACAAATGACCGCTGCTTCTGGGACAGCGGGGCTGGCTGC[C>T]GGGTGAGCAAAGTGGAGGAGCCCATGCCCACCATGAGGAGGTGGGAGAGAAGGCAGGTCC-3'
Protein context (NP_065962.1, residues 18-38): VGMGSSTLLT[Arg28Gln]QPAPLSQKQR